The following is an entry in ClinVar:

ClinVar aggregate classification (germline): Uncertain significance (1 of 4 stars; one submission).

gnomAD v4.1: 7 of 1,211,636 alleles (0.00058%); highest among the groups gnomAD compares: South Asian, 0.012%; no homozygotes.

Submission:

Labcorp Genetics (formerly Invitae), Labcorp
Classification: Uncertain significance. Last evaluated: 2025-04-21. Review status: criteria provided, single submitter. Criteria: Invitae Variant Classification Sherloc (09022015). Collection method: clinical testing. Allele origin: germline.
Comment: This sequence change replaces proline, which is neutral and non-polar, with serine, which is neutral and polar, at codon 57 of the BGN protein (p.Pro57Ser). This variant is present in population databases (rs201700911, gnomAD 0.02%). This variant has not been reported in the literature in individuals affected with BGN-related conditions. An algorithm developed to predict the effect of missense changes on protein structure and function (PolyPhen-2) suggests that this variant is likely to be tolerated. In summary, the available evidence is currently insufficient to determine the role of this variant in disease. Therefore, it has been classified as a Variant of Uncertain Significance.

NM_001711.6(BGN):c.169C>T (p.Pro57Ser)

Gene: BGN (biglycan; plus strand). Cytogenetic location: Xq28.
Variant type: single nucleotide variant.
Coding change: c.169C>T on transcript NM_001711.6 (MANE Select); coding-DNA position 169, C replaced by T.
Protein change: p.Pro57Ser; replaces proline 57 with serine.
Molecular consequence: missense variant.
Genome position (GRCh38, 1-based): chrX:153,504,800, C>T. VCF-style: chrX-153504800-C-T. GRCh37 (hg19) VCF-style: chrX-152770258-C-T.
Other names: short protein forms P57S.
Identifiers: ClinVar variation 4699394 (VCV004699394.1).